The following is an entry in ClinVar:

NM_002971.6(SATB1):c.1896dup (p.Ser633fs)

Gene: SATB1 (SATB homeobox 1; minus strand). Cytogenetic location: 3p24.3.
Variant type: Duplication.
Coding change: c.1896dup on transcript NM_002971.6 (MANE Select); coding-DNA position 1896, one base duplicated (C; older notation c.1896dupC).
Protein change: p.Ser633fs; shifts the reading frame from serine 633.
Molecular consequence: frameshift variant.
Genome position (GRCh38, 1-based): chr3:18,349,566, G duplicated on the plus strand (C on the coding strand, the reverse complement: SATB1 is on the minus strand); the first of 2 consecutive G bases (chr3:18,349,566-18,349,567); duplicating either gives the same sequence. VCF-style (leftmost placement, unchanged base first): chr3-18349565-A-AG. GRCh37 (hg19) VCF-style: chr3-18391057-A-AG.
Other names: c.1896dup, p.Ser633fs (NM_001131010.4, NM_001322872.2, NM_001322873.2 and 2 more transcripts); c.1992dup, p.Ser665fs (NM_001195470.3, NM_001322871.2); c.1680dup, p.Ser561fs (NM_001322876.2); short protein forms S561fs, S633fs, S665fs.
Identifiers: ClinVar variation 2578423 (VCV002578423.2), dbSNP rs2470394817, ClinGen allele CA2580617630.
Genomic context (GRCh38, chr3:18,349,565, plus strand): 5'-CTGAAATTTTTGTTCGTGGCCGGGTCTTCTGTCGGTTTTCCTCATCTGACTCTGCTGGAG[A>AG]GGCCACCGTGGGTTGCCGTGGGGGGAGCCGAGGGCCTGTCTGTGGCTGCTGCTGTGGCTG-3'

ClinVar aggregate classification (germline): Likely pathogenic (1 of 4 stars; one submission).

Conditions:
Developmental delay with dysmorphic facies and dental anomalies. Identifiers: MedGen C5543197, MONDO:0030988, OMIM 619228.

Submission:

Institute of Human Genetics, University of Leipzig Medical Center
Classification: Likely pathogenic for Developmental delay with dysmorphic facies and dental anomalies. Last evaluated: 2023-08-29. Review status: criteria provided, single submitter. Criteria: ACMG Guidelines, 2015. Collection method: clinical testing. Allele origin: de novo. Inheritance: Autosomal dominant inheritance. Affected: yes.
Comment: Criteria applied: PVS1_STR,PS2_MOD,PM2_SUP